The following is an entry in ClinVar:

NM_001003694.2(BRPF1):c.2933A>G (p.Asn978Ser)

Gene: BRPF1 (bromodomain and PHD finger containing 1; plus strand). Cytogenetic location: 3p25.3.
Variant type: single nucleotide variant.
Coding change: c.2933A>G on transcript NM_001003694.2 (MANE Select); coding-DNA position 2933, A replaced by G.
Protein change: p.Asn978Ser; replaces asparagine 978 with serine.
Molecular consequence: missense variant. On other transcripts: non-coding transcript variant (1).
Genome position (GRCh38, 1-based): chr3:9,745,020, A>G. VCF-style: chr3-9745020-A-G. GRCh37 (hg19) VCF-style: chr3-9786704-A-G.
Other names: c.2630A>G, p.Asn877Ser (NM_001319049.2); c.2912A>G, p.Asn971Ser (NM_001319050.2); c.2930A>G, p.Asn977Ser (NM_001410704.1); c.2915A>G, p.Asn972Ser (NM_004634.3); short protein forms N972S, N978S, N877S, N971S, N977S.
Identifiers: ClinVar variation 3482516 (VCV003482516.5).

ClinVar aggregate classification (germline): Likely benign. Review status: criteria provided, multiple submitters, no conflicts (2 of 4 stars). 2 submissions from 2 submitters: Likely benign (2). Last evaluated 2026-02-01.

Conditions:
Inborn genetic diseases. Identifiers: MedGen C0950123, MeSH D030342.

gnomAD v4.1: 100 of 1,614,074 alleles (0.0062%); highest among the groups gnomAD compares: Middle Eastern, 0.066%; 1 homozygote.

Submissions (2):

CeGaT Center for Human Genetics Tuebingen
Classification: Likely benign. Last evaluated: 2026-02-01. Review status: criteria provided, single submitter. Criteria: CeGaT Center For Human Genetics Tuebingen Variant Classification Criteria Version 2. Collection method: clinical testing. Allele origin: germline. Affected: yes. Observed: 1 variant allele.
Comment: BRPF1: BS2

Ambry Genetics
Classification: Likely benign for Inborn genetic diseases. Last evaluated: 2024-11-13. Review status: criteria provided, single submitter. Criteria: Ambry Variant Classification Scheme 2023. Collection method: clinical testing. Allele origin: germline.